The following is an entry in ClinVar:

ClinVar aggregate classification (germline): Conflicting classifications of pathogenicity. Review status: criteria provided, conflicting classifications (1 of 4 stars). 6 submissions from 6 submitters: Uncertain significance (3); Likely benign (2). 1 of the submissions does not count toward it. Last evaluated 2026-09-14.

Conditions:
Hereditary cancer-predisposing syndrome. Also called: Neoplastic Syndromes, Hereditary; Hereditary neoplastic syndrome; Hereditary Cancer Syndrome; Tumor predisposition. Identifiers: Orphanet 140162, MedGen C0027672, MeSH D009386, MONDO:0015356.
Hereditary breast ovarian cancer syndrome. Also called: BRCA1- and BRCA2-Associated Hereditary Breast and Ovarian Cancer; Hereditary breast and ovarian cancer syndrome (HBOC); Hereditary breast and ovarian cancer syndrome; Hereditary breast and/or ovarian cancer syndrome; Breast and ovarian cancer; Hereditary breast and ovarian cancer. Identifiers: Orphanet 145, MedGen C0677776, MeSH D061325, MONDO:0003582. Disease mechanism: loss of function.
Breast-ovarian cancer, familial, susceptibility to, 2 (BROVCA2). Also called: BRCA2 Hereditary Breast and Ovarian Cancer. Identifiers: Orphanet 145, MedGen C2675520, MONDO:0012933, OMIM 612555. Disease mechanism: loss of function.

Allele frequency attached by ClinVar (database versions not stated): gnomAD exomes below 0.00001.
gnomAD v4.1: 2 of 1,614,014 alleles (0.00012%); highest among the groups gnomAD compares: South Asian, 0.0022%; no homozygotes.

Submissions (6):

Ambry Genetics
Classification: Uncertain significance for Hereditary cancer-predisposing syndrome. Last evaluated: 2026-09-14. Review status: criteria provided, single submitter. Criteria: Ambry Variant Classification Scheme 2023. Collection method: clinical testing. Allele origin: germline.
Comment: The p.C1200S variant (also known as c.3598T>A), located in coding exon 10 of the BRCA2 gene, results from a T to A substitution at nucleotide position 3598. The cysteine at codon 1200 is replaced by serine, an amino acid with dissimilar properties. This amino acid position is well conserved in available vertebrate species. In addition, this alteration is predicted to be tolerated by in silico analysis. Based on the available evidence, the clinical significance of this variant remains unclear.

Color Diagnostics, LLC DBA Color Health
Classification: Likely benign for Hereditary cancer-predisposing syndrome. Last evaluated: 2024-10-16. Review status: criteria provided, single submitter. Criteria: ACMG Guidelines, 2015. Collection method: clinical testing. Allele origin: germline.

Labcorp Genetics (formerly Invitae), Labcorp
Classification: Uncertain significance for Hereditary breast ovarian cancer syndrome. Last evaluated: 2024-09-27. Review status: criteria provided, single submitter. Criteria: Invitae Variant Classification Sherloc (09022015). Collection method: clinical testing. Allele origin: germline.
Comment: This sequence change replaces cysteine, which is neutral and slightly polar, with serine, which is neutral and polar, at codon 1200 of the BRCA2 protein (p.Cys1200Ser). This variant is not present in population databases (gnomAD no frequency). This missense change has been observed in individual(s) with clinical features of BRCA2-related conditions (PMID: 10923033). ClinVar contains an entry for this variant (Variation ID: 51492). Invitae Evidence Modeling of protein sequence and biophysical properties (such as structural, functional, and spatial information, amino acid conservation, physicochemical variation, residue mobility, and thermodynamic stability) indicates that this missense variant is not expected to disrupt BRCA2 protein function with a negative predictive value of 95%. In summary, the available evidence is currently insufficient to determine the role of this variant in disease. Therefore, it has been classified as a Variant of Uncertain Significance.

All of Us Research Program, National Institutes of Health
Classification: Uncertain significance for Breast-ovarian cancer, familial, susceptibility to, 2. Last evaluated: 2023-10-06. Review status: criteria provided, single submitter. Criteria: ACMG Guidelines, 2015. Collection method: clinical testing. Allele origin: germline. Inheritance: Autosomal dominant inheritance. Observed: 1 variant allele, 1 heterozygote.
Comment: This missense variant replaces cysteine with serine at codon 1200 of the BRCA2 protein. Computational prediction suggests that this variant may not impact protein structure and function (internally defined REVEL score threshold <= 0.5, PMID: 27666373). To our knowledge, functional studies have not been reported for this variant. This variant has been reported in a multifactorial analysis with co-occurrence and family history likelihood ratios for pathogenicity of 1.0246 and 0.4199, respectively (PMID: 31131967). This variant has not been identified in the general population by the Genome Aggregation Database (gnomAD). The available evidence is insufficient to determine the role of this variant in disease conclusively. Therefore, this variant is classified as a Variant of Uncertain Significance.

This study involves interpretation of variants in research participants for the purpose of population health screening. Participant phenotype was not available at the time of variant classification. Additional details can be found in publication PMID: 35346344, PMCID: PMC8962531

University of Washington Department of Laboratory Medicine, University of Washington
Classification: Likely benign for Hereditary cancer-predisposing syndrome. Last evaluated: 2023-03-23. Review status: criteria provided, single submitter. Criteria: Dines et al. (Genet Med. 2020). Collection method: curation. Allele origin: germline.
Comment: Missense variant in a coldspot region where missense variants are very unlikely to be pathogenic (PMID:31911673).

BRCA2 exon 11 coldspot. Reclassification based on statistical prior probability.

Breast Cancer Information Core (BIC) (BRCA2)
Classification: Uncertain significance for Breast-ovarian cancer, familial 2. Last evaluated: 2003-12-23. Review status: no assertion criteria provided. Collection method: clinical testing. Allele origin: germline. Affected: yes. Observed: 1 variant allele. Not counted in ClinVar's aggregate classification.

Literature cited by the submitters: PubMed 10923033 (cited by Labcorp Genetics (formerly Invitae), Labcorp); PubMed 31131967 (cited by All of Us Research Program, National Institutes of Health).

NM_000059.4(BRCA2):c.3598T>A (p.Cys1200Ser)

Gene: BRCA2 (BRCA2 DNA repair associated; plus strand). Cytogenetic location: 13q13.1.
Variant type: single nucleotide variant.
Coding change: c.3598T>A on transcript NM_000059.4 (MANE Select); coding-DNA position 3598, T replaced by A.
Protein change: p.Cys1200Ser; replaces cysteine 1200 with serine.
Molecular consequence: missense variant.
Genome position (GRCh38, 1-based): chr13:32,337,953, T>A. VCF-style: chr13-32337953-T-A. GRCh37 (hg19) VCF-style: chr13-32912090-T-A.
Other names: short protein forms C1200S.
Identifiers: ClinVar variation 51492 (VCV000051492.17), dbSNP rs80358607, ClinGen allele CA018392.